The following is an entry in ClinVar:

NM_002529.4(NTRK1):c.874_875del (p.Thr292fs)

Gene: NTRK1 (neurotrophic receptor tyrosine kinase 1; plus strand). Cytogenetic location: 1q23.1.
Variant type: Microsatellite.
Coding change: c.874_875del on transcript NM_002529.4 (MANE Select); coding-DNA positions 874 to 875, 2 bases deleted (AC; older notation c.874_875delAC).
Protein change: p.Thr292fs; shifts the reading frame from threonine 292.
Molecular consequence: frameshift variant.
Genome position (GRCh38, 1-based): chr1:156,873,656-156,873,657, AC deleted; deleting any 2 consecutive bases within chr1:156,873,653-156,873,657 gives the same sequence; the c. name uses the placement nearest the transcript's 3' end. VCF-style (leftmost placement, unchanged base first): chr1-156873652-GCA-G. GRCh37 (hg19) VCF-style: chr1-156843444-GCA-G.
Other names: c.872_873AC[1], p.Thr292Glyfs (NM_001007204.1); c.784_785del, p.Thr262fs (NM_001007792.1); c.874_875del, p.Thr292fs (NM_001012331.2); short protein forms T292fs, T262fs.
Identifiers: ClinVar variation 2705733 (VCV002705733.3), dbSNP rs2525614292, ClinGen allele CA2697554589.

ClinVar aggregate classification (germline): Pathogenic (1 of 4 stars; one submission).

Conditions:
Hereditary insensitivity to pain with anhidrosis (CIPA). Also called: NEUROPATHY, CONGENITAL SENSORY, WITH ANHIDROSIS; hereditary sensory and autonomic neuropathy type 4; HSAN Type IV; INSENSITIVITY TO PAIN, CONGENITAL, WITH ANHIDROSIS; FAMILIAL DYSAUTONOMIA, TYPE II; NTRK1 Congenital Insensitivity to Pain with Anhidrosis. Identifiers: Orphanet 642, MedGen C0020074, MONDO:0009746, OMIM 256800.

Submission:

Labcorp Genetics (formerly Invitae), Labcorp
Classification: Pathogenic for Hereditary insensitivity to pain with anhidrosis. Last evaluated: 2023-12-26. Review status: criteria provided, single submitter. Criteria: Invitae Variant Classification Sherloc (09022015). Collection method: clinical testing. Allele origin: germline.
Comment: This sequence change creates a premature translational stop signal (p.Thr292Glyfs*32) in the NTRK1 gene. It is expected to result in an absent or disrupted protein product. Loss-of-function variants in NTRK1 are known to be pathogenic (PMID: 10982191). This variant is not present in population databases (gnomAD no frequency). This variant has not been reported in the literature in individuals affected with NTRK1-related conditions. For these reasons, this variant has been classified as Pathogenic.

Literature cited by the submitters: PubMed 10982191.